The following is an entry in ClinVar:

ClinVar aggregate classification (germline): Benign/Likely benign. Review status: criteria provided, multiple submitters, no conflicts (2 of 4 stars). 4 submissions from 4 submitters: Benign (1); Likely benign (3). Last evaluated 2025-03-17.

Conditions:
Floating-Harbor syndrome (FLHS). Also called: SRCAP-Related Floating-Harbor Syndrome; Short stature with delayed bone age, expressive language delay, a triangular face with a prominent nose and deep-set eyes; Pelletier-Leisti syndrome. Identifiers: Orphanet 2044, MedGen C0729582, MONDO:0007621, OMIM 136140.
Developmental delay, hypotonia, musculoskeletal defects, and behavioral abnormalities. Identifiers: MedGen C5562012, MONDO:0859202, OMIM 619595.

Allele frequency attached by ClinVar (database versions not stated): 1000 Genomes Project 30x 0.00016; TOPMed 0.00016; 1000 Genomes Project 0.00020; ESP Exome Variant Server 0.00023; ExAC 0.00064; gnomAD 0.00071 and 0.00074; gnomAD exomes 0.00086.
gnomAD v4.1: 879 of 1,614,106 alleles (0.054%); highest among the groups gnomAD compares: Non-Finnish European, 0.036%; 2 homozygotes.

Submissions (4):

Labcorp Genetics (formerly Invitae), Labcorp
Classification: Benign. Last evaluated: 2025-03-17. Review status: criteria provided, single submitter. Criteria: Invitae Variant Classification Sherloc (09022015). Collection method: clinical testing. Allele origin: germline.

Blueprint Genetics
Classification: Likely benign. Last evaluated: 2024-07-02. Review status: criteria provided, single submitter. Criteria: ACMG Guidelines, 2015. Collection method: clinical testing. Allele origin: germline.

CeGaT Center for Human Genetics Tuebingen
Classification: Likely benign. Last evaluated: 2023-08-01. Review status: criteria provided, single submitter. Criteria: CeGaT Center For Human Genetics Tuebingen Variant Classification Criteria Version 2. Collection method: clinical testing. Allele origin: germline. Affected: yes. Observed: 2 variant alleles.
Comment: SRCAP: BP4, BP7, BS1

Fulgent Genetics
Classification: Likely benign for Floating-Harbor syndrome; Developmental delay, hypotonia, musculoskeletal defects, and behavioral abnormalities. Last evaluated: 2021-12-29. Review status: criteria provided, single submitter. Criteria: ACMG Guidelines, 2015. Collection method: clinical testing. Allele origin: unknown.

NM_006662.3(SRCAP):c.8982C>G (p.Thr2994=)

Gene: SRCAP (Snf2 related CREBBP activator protein; plus strand). Cytogenetic location: 16p11.2.
Variant type: single nucleotide variant.
Coding change: c.8982C>G on transcript NM_006662.3 (MANE Select); coding-DNA position 8982, C replaced by G.
Protein change: p.Thr2994=; no amino-acid change (threonine 2994 retained).
Molecular consequence: synonymous variant.
Genome position (GRCh38, 1-based): chr16:30,739,022, C>G. VCF-style: chr16-30739022-C-G. GRCh37 (hg19) VCF-style: chr16-30750343-C-G.
Identifiers: ClinVar variation 1592040 (VCV001592040.34), dbSNP rs150765091, ClinGen allele CA8012809.